The following is an entry in ClinVar:

ClinVar aggregate classification (germline): Uncertain significance (1 of 4 stars; one submission).

Submission:

Ambry Genetics
Classification: Uncertain significance. Last evaluated: 2022-04-24. Review status: criteria provided, single submitter. Criteria: Ambry Variant Classification Scheme 2023. Collection method: clinical testing. Allele origin: germline.
Comment: The p.D813Y variant (also known as c.2437G>T), located in coding exon 13 of the PALLD gene, results from a G to T substitution at nucleotide position 2437. The aspartic acid at codon 813 is replaced by tyrosine, an amino acid with highly dissimilar properties. This amino acid position is conserved. In addition, this alteration is predicted to be deleterious by in silico analysis. Since supporting evidence is limited at this time, the clinical significance of this alteration remains unclear.

NM_001166108.2(PALLD):c.2488G>T (p.Asp830Tyr)

Genes: PALLD (palladin, cytoskeletal associated protein; plus strand), CBR4 (carbonyl reductase 4; minus strand). Cytogenetic location: 4q32.3.
Variant type: single nucleotide variant.
Coding change: c.2488G>T on transcript NM_001166108.2 (MANE Select); coding-DNA position 2488, G replaced by T.
Protein change: p.Asp830Tyr; replaces aspartic acid 830 with tyrosine.
Molecular consequence: missense variant.
Genome position (GRCh38, 1-based): chr4:168,903,772, G>T. VCF-style: chr4-168903772-G-T. GRCh37 (hg19) VCF-style: chr4-169824923-G-T.
Other names: c.1291G>T, p.Asp431Tyr (NM_001166109.2); c.976G>T, p.Asp326Tyr (NM_001166110.2); c.316G>T, p.Asp106Tyr (NM_001367567.1, NM_001367569.1); c.367G>T, p.Asp123Tyr (NM_001367568.1, NM_001367570.1); c.2437G>T, p.Asp813Tyr (NM_016081.4); short protein forms D123Y, D431Y, D106Y, D326Y, D813Y, D830Y.
Identifiers: ClinVar variation 1791246 (VCV001791246.2), dbSNP rs2533837717, ClinGen allele CA358799266.